The following is an entry in ClinVar:

ClinVar aggregate classification (germline): Uncertain significance (1 of 4 stars; one submission).

Submission:

GeneDx
Classification: Uncertain significance. Last evaluated: 2023-11-19. Review status: criteria provided, single submitter. Criteria: GeneDx Variant Classification Process June 2021. Collection method: clinical testing. Allele origin: germline. Affected: yes.
Comment: Not observed at significant frequency in large population cohorts (gnomAD); In silico analysis supports that this missense variant has a deleterious effect on protein structure/function; In silico analysis is inconclusive as to whether the variant alters gene splicing. In the absence of RNA/functional studies, the actual effect of this sequence change is unknown.; Has not been previously published as pathogenic or benign to our knowledge

NM_001394062.1(MACF1):c.3311A>T (p.Asp1104Val)

Gene: MACF1 (microtubule actin crosslinking factor 1; plus strand). Cytogenetic location: 1p34.3.
Variant type: single nucleotide variant.
Coding change: c.3311A>T on transcript NM_001394062.1 (MANE Select); coding-DNA position 3311, A replaced by T.
Protein change: p.Asp1104Val; replaces aspartic acid 1104 with valine.
Molecular consequence: missense variant.
Genome position (GRCh38, 1-based): chr1:39,315,553, A>T. VCF-style: chr1-39315553-A-T. GRCh37 (hg19) VCF-style: chr1-39781225-A-T.
Other names: c.3326A>T, p.Asp1109Val (NM_012090.5); short protein forms D1104V, D1109V.
Identifiers: ClinVar variation 3364534 (VCV003364534.1).